The following is an entry in ClinVar:

ClinVar aggregate classification (germline): Uncertain significance. Review status: criteria provided, multiple submitters, no conflicts (2 of 4 stars). 2 submissions from 2 submitters: Uncertain significance (2). Last evaluated 2025-06-20.

Conditions:
Myofibrillar myopathy 5. Also called: Filaminopathy (type); FILAMINOPATHY, AUTOSOMAL DOMINANT. Identifiers: Orphanet 171445, MedGen C1836050, MONDO:0012289, OMIM 609524.
Distal myopathy with posterior leg and anterior hand involvement. Also called: WILLIAMS DISTAL MYOPATHY. Identifiers: Orphanet 63273, MedGen C3279722, MONDO:0013550, OMIM 614065.
Hypertrophic cardiomyopathy 26. Also called: Cardiomyopathy, familial hypertrophic, 26. Identifiers: Orphanet 75249, MedGen C4310749, MONDO:0014883, OMIM 617047.

Allele frequency attached by ClinVar (database versions not stated): gnomAD exomes below 0.00001 and 0.00001; ExAC 0.00001; gnomAD 0.00001; TOPMed 0.00001; ESP Exome Variant Server 0.00008.
gnomAD v4.1: 10 of 1,613,818 alleles (0.00062%); highest among the groups gnomAD compares: Non-Finnish European, 0.00085%; no homozygotes.

Submissions (2):

GeneDx
Classification: Uncertain significance. Last evaluated: 2025-06-20. Review status: criteria provided, single submitter. Criteria: GeneDx Variant Classification Process June 2021. Collection method: clinical testing. Allele origin: germline. Affected: yes.
Comment: Not observed at significant frequency in large population cohorts (gnomAD); In silico analysis supports that this missense variant has a deleterious effect on protein structure/function; Has not been previously published as pathogenic or benign to our knowledge

Labcorp Genetics (formerly Invitae), Labcorp
Classification: Uncertain significance for Distal myopathy with posterior leg and anterior hand involvement; Myofibrillar myopathy 5; Hypertrophic cardiomyopathy 26. Last evaluated: 2025-05-01. Review status: criteria provided, single submitter. Criteria: Invitae Variant Classification Sherloc (09022015). Collection method: clinical testing. Allele origin: germline.
Comment: This sequence change replaces valine, which is neutral and non-polar, with methionine, which is neutral and non-polar, at codon 1930 of the FLNC protein (p.Val1930Met). This variant is present in population databases (rs370076553, gnomAD 0.0009%). This variant has not been reported in the literature in individuals affected with FLNC-related conditions. ClinVar contains an entry for this variant (Variation ID: 1001137). Invitae Evidence Modeling of protein sequence and biophysical properties (such as structural, functional, and spatial information, amino acid conservation, physicochemical variation, residue mobility, and thermodynamic stability) has been performed for this missense variant. However, the output from this modeling did not meet the statistical confidence thresholds required to predict the impact of this variant on FLNC protein function. In summary, the available evidence is currently insufficient to determine the role of this variant in disease. Therefore, it has been classified as a Variant of Uncertain Significance.

NM_001458.5(FLNC):c.5788G>A (p.Val1930Met)

Genes: FLNC-AS1 (FLNC antisense RNA 1; minus strand), FLNC (filamin C; plus strand). Cytogenetic location: 7q32.1.
Variant type: single nucleotide variant.
Coding change: c.5788G>A on transcript NM_001458.5 (MANE Select); coding-DNA position 5788, G replaced by A.
Protein change: p.Val1930Met; replaces valine 1930 with methionine.
Molecular consequence: missense variant.
Genome position (GRCh38, 1-based): chr7:128,851,574, G>A. VCF-style: chr7-128851574-G-A. GRCh37 (hg19) VCF-style: chr7-128491628-G-A.
Other names: c.5689G>A, p.Val1897Met (NM_001127487.2); c.5788G>A (NM_001458.4); short protein forms V1897M, V1930M.
Identifiers: ClinVar variation 1001137 (VCV001001137.10), dbSNP rs370076553, ClinGen allele CA4475783.